The following is an entry in ClinVar:

ClinVar aggregate classification (germline): Uncertain significance (1 of 4 stars; one submission).

Conditions:
Intellectual developmental disorder, X-linked 90. Also called: DLG3-Related X-Linked Nonsyndromic Mental Retardation; Intellectual disability, X-linked 90. Identifiers: Orphanet 777, MedGen C3275443, MONDO:0010452, OMIM 300850.

Submission:

Equipe Genetique des Anomalies du Developpement, Université de Bourgogne
Classification: Uncertain significance for Intellectual developmental disorder, X-linked 90. Last evaluated: 2025-01-31. Review status: criteria provided, single submitter. Criteria: ACMG Guidelines, 2015. Collection method: clinical testing. Allele origin: germline. Affected: yes.
Comment: This variant is an intronic nucleotide change and is present in a hemizygous state. It has not been reported in ClinVar and in the literature. In silico prediction scores suggest an effect on splicing. Hemizygous pathogenic variants in DLG3 are reported in an autosomal dominant intellectual disability (OMIM #300850). This variant is not present in population database gnomAD (v4.1.0) Based on these evidences, the variant was classified as of uncertain significance.

NM_021120.4(DLG3):c.840+4A>G

Gene: DLG3 (discs large MAGUK scaffold protein 3; plus strand). Cytogenetic location: Xq13.1.
Variant type: single nucleotide variant.
Coding change: c.840+4A>G on transcript NM_021120.4 (MANE Select); 4 bases into the intron after coding-DNA position 840, A replaced by G.
Molecular consequence: intron variant.
Genome position (GRCh38, 1-based): chrX:70,450,309, A>G. VCF-style: chrX-70450309-A-G. GRCh37 (hg19) VCF-style: chrX-69670159-A-G.
Identifiers: ClinVar variation 3770141 (VCV003770141.1).